The following is an entry in ClinVar:

ClinVar aggregate classification (germline): Uncertain significance. Review status: criteria provided, multiple submitters, no conflicts (2 of 4 stars). 3 submissions from 3 submitters: Uncertain significance (2). 1 of the submissions does not count toward it. Last evaluated 2025-11-09.

Conditions:
SLC25A32-related disorder. Also called: SLC25A32-related condition.

Allele frequency attached by ClinVar (database versions not stated): gnomAD exomes 0.00002; ExAC 0.00007; ESP Exome Variant Server 0.00015; 1000 Genomes Project 30x 0.00016; gnomAD 0.00017; 1000 Genomes Project 0.00020; TOPMed 0.00028.
gnomAD v4.1: 52 of 1,613,524 alleles (0.0032%); highest among the groups gnomAD compares: African/African-American, 0.057%; no homozygotes.

Submissions (3):

Labcorp Genetics (formerly Invitae), Labcorp
Classification: Uncertain significance. Last evaluated: 2025-11-09. Review status: criteria provided, single submitter. Criteria: Invitae Variant Classification Sherloc (09022015). Collection method: clinical testing. Allele origin: germline.
Comment: This sequence change replaces phenylalanine, which is neutral and non-polar, with leucine, which is neutral and non-polar, at codon 237 of the SLC25A32 protein (p.Phe237Leu). This variant is present in population databases (rs143775940, gnomAD 0.07%), and has an allele count higher than expected for a pathogenic variant. This variant has not been reported in the literature in individuals affected with SLC25A32-related conditions. ClinVar contains an entry for this variant (Variation ID: 2064214). Invitae Evidence Modeling of protein sequence and biophysical properties (such as structural, functional, and spatial information, amino acid conservation, physicochemical variation, residue mobility, and thermodynamic stability) indicates that this missense variant is not expected to disrupt SLC25A32 protein function with a negative predictive value of 80%. In summary, the available evidence is currently insufficient to determine the role of this variant in disease. Therefore, it has been classified as a Variant of Uncertain Significance.

Ambry Genetics
Classification: Uncertain significance. Last evaluated: 2023-12-14. Review status: criteria provided, single submitter. Criteria: Ambry Variant Classification Scheme 2023. Collection method: clinical testing. Allele origin: germline.

PreventionGenetics, part of Exact Sciences
Classification: Uncertain significance for SLC25A32-related condition. Last evaluated: 2024-09-17. Review status: no assertion criteria provided. Collection method: clinical testing. Allele origin: germline. Not counted in ClinVar's aggregate classification.
Comment: The SLC25A32 c.709T>C variant is predicted to result in the amino acid substitution p.Phe237Leu. To our knowledge, this variant has not been reported in the literature. This variant is reported in 0.060% of alleles in individuals of African descent in gnomAD, which may be too common to be a primary cause of disease. Although we suspect that this variant may be benign, at this time, the clinical significance of this variant is uncertain due to the absence of conclusive functional and genetic evidence.

NM_030780.5(SLC25A32):c.709T>C (p.Phe237Leu)

Gene: SLC25A32 (solute carrier family 25 member 32; minus strand). Cytogenetic location: 8q22.3.
Variant type: single nucleotide variant.
Coding change: c.709T>C on transcript NM_030780.5 (MANE Select); coding-DNA position 709, T replaced by C.
Protein change: p.Phe237Leu; replaces phenylalanine 237 with leucine.
Molecular consequence: missense variant. On other transcripts: non-coding transcript variant (2).
Genome position (GRCh38, 1-based): chr8:103,401,619, A>G on the plus strand (T>C on the coding strand, the complement: SLC25A32 is on the minus strand). VCF-style: chr8-103401619-A-G. GRCh37 (hg19) VCF-style: chr8-104413847-A-G.
Other names: c.709T>C (NM_030780.4, NM_030780.3); short protein forms F237L.
Identifiers: ClinVar variation 2064214 (VCV002064214.6), dbSNP rs143775940, ClinGen allele CA4835387.
Genomic context (GRCh38, chr8:103,401,619, plus strand): 5'-TGTGTTGATCCTGAAGACGAGCTCTTACGACTTGATATGGGTATGTTGCTGCGACAGCAA[A>G]TATTTTGGATAGTGCTGCAACAGATATATATTCTACTGTGCTCTAAAATGGCAATACAAA-3'
Protein context (NP_110407.2, residues 227-247): YISVAALSKI[Phe237Leu]AVAATYPYQV